The following is an entry in ClinVar:

ClinVar aggregate classification (germline): Uncertain significance. Review status: criteria provided, multiple submitters, no conflicts (2 of 4 stars). 2 submissions from 2 submitters: Uncertain significance (2). Last evaluated 2022-03-26.

Allele frequency attached by ClinVar (database versions not stated): TOPMed below 0.00001; gnomAD exomes 0.00001; ExAC 0.00003.
gnomAD v4.1: 19 of 1,614,172 alleles (0.0012%); highest among the groups gnomAD compares: Non-Finnish European, 0.0014%; no homozygotes.

Submissions (2):

Labcorp Genetics (formerly Invitae), Labcorp
Classification: Uncertain significance. Last evaluated: 2022-03-26. Review status: criteria provided, single submitter. Criteria: Invitae Variant Classification Sherloc (09022015). Collection method: clinical testing. Allele origin: germline.
Comment: Algorithms developed to predict the effect of missense changes on protein structure and function (SIFT, PolyPhen-2, Align-GVGD) all suggest that this variant is likely to be tolerated. In summary, the available evidence is currently insufficient to determine the role of this variant in disease. Therefore, it has been classified as a Variant of Uncertain Significance. This variant has not been reported in the literature in individuals affected with TIMMDC1-related conditions. This variant is present in population databases (rs756944302, gnomAD 0.004%). This sequence change replaces isoleucine, which is neutral and non-polar, with threonine, which is neutral and polar, at codon 87 of the TIMMDC1 protein (p.Ile87Thr).

Ambry Genetics
Classification: Uncertain significance. Last evaluated: 2021-12-07. Review status: criteria provided, single submitter. Criteria: Ambry Variant Classification Scheme 2023. Collection method: clinical testing. Allele origin: germline.

NM_016589.4(TIMMDC1):c.260T>C (p.Ile87Thr)

Gene: TIMMDC1 (translocase of inner mitochondrial membrane domain containing 1; plus strand). Cytogenetic location: 3q13.33.
Variant type: single nucleotide variant.
Coding change: c.260T>C on transcript NM_016589.4 (MANE Select); coding-DNA position 260, T replaced by C.
Protein change: p.Ile87Thr; replaces isoleucine 87 with threonine.
Molecular consequence: missense variant.
Genome position (GRCh38, 1-based): chr3:119,500,760, T>C. VCF-style: chr3-119500760-T-C. GRCh37 (hg19) VCF-style: chr3-119219607-T-C.
Other names: c.260T>C (NM_016589.3); short protein forms I87T.
Identifiers: ClinVar variation 2193198 (VCV002193198.5), dbSNP rs756944302, ClinGen allele CA2555179.